The following is an entry in ClinVar:

NM_033118.4(MYLK2):c.1655G>A (p.Arg552Gln)

Gene: MYLK2 (myosin light chain kinase 2; plus strand). Cytogenetic location: 20q11.21.
Variant type: single nucleotide variant.
Coding change: c.1655G>A on transcript NM_033118.4 (MANE Select); coding-DNA position 1655, G replaced by A.
Protein change: p.Arg552Gln; replaces arginine 552 with glutamine.
Molecular consequence: missense variant.
Genome position (GRCh38, 1-based): chr20:31,832,081, G>A. VCF-style: chr20-31832081-G-A. GRCh37 (hg19) VCF-style: chr20-30419884-G-A.
Other names: short protein forms R552Q.
Identifiers: ClinVar variation 1777338 (VCV001777338.5), dbSNP rs373488404, ClinGen allele CA9803287.

ClinVar aggregate classification (germline): Uncertain significance. Review status: criteria provided, multiple submitters, no conflicts (2 of 4 stars). 3 submissions from 3 submitters: Uncertain significance (3). Last evaluated 2026-01-27.

Conditions:
MYLK2-related disorder. Also called: MYLK2-related condition.
Hypertrophic cardiomyopathy 1 (CMH1). Also called: MYH7-Related Familial Hypertrophic Cardiomyopathy; Familial hypertrophic cardiomyopathy 1. Identifiers: MedGen C3495498, MONDO:0008647, OMIM 192600.

Allele frequency attached by ClinVar (database versions not stated): TOPMed 0.00002; gnomAD 0.00003; ExAC 0.00008; ESP Exome Variant Server 0.00008.

Submissions (3):

Labcorp Genetics (formerly Invitae), Labcorp
Classification: Uncertain significance for Hypertrophic cardiomyopathy 1. Last evaluated: 2026-01-27. Review status: criteria provided, single submitter. Criteria: Invitae Variant Classification Sherloc (09022015). Collection method: clinical testing. Allele origin: germline.
Comment: This sequence change replaces arginine, which is basic and polar, with glutamine, which is neutral and polar, at codon 552 of the MYLK2 protein (p.Arg552Gln). This variant is present in population databases (rs373488404, gnomAD 0.01%). This variant has not been reported in the literature in individuals affected with MYLK2-related conditions. ClinVar contains an entry for this variant (Variation ID: 1777338). Invitae Evidence Modeling of protein sequence and biophysical properties (such as structural, functional, and spatial information, amino acid conservation, physicochemical variation, residue mobility, and thermodynamic stability) indicates that this missense variant is not expected to disrupt MYLK2 protein function with a negative predictive value of 80%. In summary, the available evidence is currently insufficient to determine the role of this variant in disease. Therefore, it has been classified as a Variant of Uncertain Significance.

Ambry Genetics
Classification: Uncertain significance. Last evaluated: 2025-03-18. Review status: criteria provided, single submitter. Criteria: Ambry Variant Classification Scheme 2023. Collection method: clinical testing. Allele origin: germline.
Comment: The p.R552Q variant (also known as c.1655G>A), located in coding exon 11 of the MYLK2 gene, results from a G to A substitution at nucleotide position 1655. The arginine at codon 552 is replaced by glutamine, an amino acid with highly similar properties. This amino acid position is conserved. In addition, this alteration is predicted to be tolerated by in silico analysis. Since supporting evidence is limited at this time, the clinical significance of this alteration remains unclear.

PreventionGenetics, part of Exact Sciences
Classification: Uncertain significance for MYLK2-related condition. Last evaluated: 2025-01-09. Review status: criteria provided, single submitter. Criteria: ACMG Guidelines, 2015. Collection method: clinical testing. Allele origin: germline.
Comment: The MYLK2 c.1655G>A variant is predicted to result in the amino acid substitution p.Arg552Gln. This variant has been reported as a variant of uncertain significance in a cohort of stillbirth cases from a study using a gene panel associated with cardiomyopathies and cardiac channelopathies (Table S2, Sahlin et al. 2019. PubMed ID: 30615648). This variant is reported in 0.0097% of alleles in individuals of European (non-Finnish) descent in gnomAD. At this time, the clinical significance of this variant is uncertain due to the absence of conclusive functional and genetic evidence.